The following is an entry in ClinVar:

ClinVar aggregate classification (germline): Likely pathogenic. Review status: criteria provided, multiple submitters, no conflicts (2 of 4 stars). 2 submissions from 2 submitters: Likely pathogenic (2). Last evaluated 2025-07-08.

Conditions:
Hereditary cancer-predisposing syndrome. Also called: Hereditary Cancer Syndrome; Neoplastic Syndromes, Hereditary; Hereditary neoplastic syndrome; Tumor predisposition. Identifiers: Orphanet 140162, MedGen C0027672, MeSH D009386, MONDO:0015356.
Familial cancer of breast. Also called: BREAST CANCER, FAMILIAL; Hereditary breast cancer; hereditary breast carcinoma. Identifiers: Orphanet 227535, MedGen C0346153, MONDO:0016419, OMIM 114480. Disease mechanism: loss of function.

Submissions (2):

KCCC/NGS Laboratory, Kuwait Cancer Control Center
Classification: Likely pathogenic for Familial cancer of breast. Last evaluated: 2025-07-08. Review status: criteria provided, single submitter. Criteria: ACMG Guidelines, 2015. Collection method: clinical testing. Allele origin: germline. Inheritance: Autosomal dominant inheritance. Affected: yes. Observed: 1 heterozygote.
Comment: The c.442-18_442-4del15 intronic variant, located in intron 5 of the BRCA1 gene, results from a deletion of 15 nucleotides within intron 5 of the BRCA1 gene. This nucleotide region is not well conserved (PhyloP=3.95). In silico splice site analysis predicts that this alteration will weaken the native splice acceptor site and will result in the creation or strengthening of a novel splice acceptor site. This variant was reported in ClinVar as likely pathogenic (ID:142712) . This variant is considered to be rare based on population cohorts in the Genome Aggregation Database (gnomAD). Based on the majority of available evidence to date, this variant is likely to be pathogenic.

Ambry Genetics
Classification: Likely pathogenic for Hereditary cancer-predisposing syndrome. Last evaluated: 2024-10-02. Review status: criteria provided, single submitter. Criteria: Ambry Variant Classification Scheme 2023. Collection method: clinical testing. Allele origin: germline.
Comment: The c.442-18_442-4del15 intronic variant, located in intron 5 of the BRCA1 gene, results from a deletion of 15 nucleotides within intron 5 of the BRCA1 gene. This nucleotide region is not well conserved in available vertebrate species. In silico splice site analysis predicts that this alteration will weaken the native splice acceptor site and will result in the creation or strengthening of a novel splice acceptor site. RNA studies have demonstrated that this alteration results in abnormal splicing in the set of samples tested (Ambry internal data). This variant is considered to be rare based on population cohorts in the Genome Aggregation Database (gnomAD). Based on the majority of available evidence to date, this variant is likely to be pathogenic.

NM_007294.4(BRCA1):c.442-18_442-4del

Gene: BRCA1 (BRCA1 DNA repair associated; minus strand). Cytogenetic location: 17q21.31.
Variant type: Deletion.
Coding change: c.442-18_442-4del on transcript NM_007294.4 (MANE Select); 18 bases into the intron before coding-DNA position 442 through 4 bases into the intron before coding-DNA position 442, 15 bases deleted (CTTTACCATACTGTT).
Molecular consequence: intron variant.
Genome position (GRCh38, 1-based): chr17:43,099,884-43,099,898, AACAGTATGGTAAAG deleted on the plus strand (CTTTACCATACTGTT on the coding strand, the reverse complement: BRCA1 is on the minus strand); deleting any 15 consecutive bases within chr17:43,099,884-43,099,904 gives the same sequence; the c. name uses the placement nearest the transcript's 3' end. VCF-style (leftmost placement, unchanged base first): chr17-43099883-AAACAGTATGGTAAAG-A. GRCh37 (hg19) VCF-style: chr17-41251900-AAACAGTATGGTAAAG-A.
Other names: c.442-18_442-4del15 (NM_007294.3); c.301-18_301-4del (NM_001408458.1, NM_001407922.1, NM_001408469.1 and 61 more transcripts); c.-218-5038_-218-5024del (NM_001407967.1, NM_001407966.1); c.61-18_61-4del (NM_001407959.1, NM_001408512.1, NM_001408510.1 and 3 more transcripts); c.301-21_301-7del (NM_001407931.1, NM_001407747.1, NM_001408470.1 and 35 more transcripts); c.61-21_61-7del (NM_001407962.1); c.232-18_232-4del (NM_001407885.1, NM_001407886.1, NM_001407881.1 and 37 more transcripts); c.442-21_442-7del (NM_001407686.1, NM_001408397.1, NM_001407632.1 and 65 more transcripts); and 6 more.
Identifiers: ClinVar variation 142712 (VCV000142712.7), dbSNP rs587782663, ClinGen allele CA002846.